The following is an entry in ClinVar:

ClinVar aggregate classification (germline): Pathogenic/Likely pathogenic. Review status: criteria provided, multiple submitters, no conflicts (2 of 4 stars). 2 submissions from 2 submitters: Pathogenic (1); Likely pathogenic (1). Last evaluated 2026-03-19.

Conditions:
Mitochondrial DNA depletion syndrome 1. Also called: Mitochondrial DNA depletion syndrome 1 (MNGIE type); Mitochondrial DNA Depletion Syndrome, MNGIE Form; Mitochondrial Neurogastrointestinal Encephalopathy Disease; Mitochondrial neurogastrointestinal encephalomyopathy syndrome; POLIP SYNDROME; POLYNEUROPATHY, OPHTHALMOPLEGIA, LEUKOENCEPHALOPATHY, AND INTESTINAL PSEUDOOBSTRUCTION. Identifiers: Orphanet 298, MedGen C4551995, MONDO:0011283, OMIM 603041.

Submissions (2):

Myriad Genetics, Inc.
Classification: Pathogenic for Mitochondrial DNA depletion syndrome 1. Last evaluated: 2026-03-19. Review status: criteria provided, single submitter. Criteria: Myriad Autosomal Dominant, Autosomal Recessive and X-Linked Classification Criteria (2023). Collection method: clinical testing. Allele origin: unknown.
Comment: NM_001953.4(TYMP):c.260_266del7(E87Gfs*3) is expected to be pathogenic in the context of mitochondrial neurogastrointestinal encephalopathy disease. This variant is predicted to lead to an abnormal or absent protein product due to the creation of a premature termination codon in TYMP, a gene where loss-of-function variants are known to be pathogenic. Please note: this variant was assessed in the context of healthy population screening.

Fulgent Genetics
Classification: Likely pathogenic for Mitochondrial DNA depletion syndrome 1. Last evaluated: 2024-06-18. Review status: criteria provided, single submitter. Criteria: ACMG Guidelines, 2015. Collection method: clinical testing. Allele origin: germline.

NM_001953.5(TYMP):c.260_266del (p.Glu87fs)

Genes: TYMP (thymidine phosphorylase; minus strand), LOC130067864 (ATAC-STARR-seq lymphoblastoid active region 19325; plus strand). Cytogenetic location: 22q13.33.
Variant type: Deletion.
Coding change: c.260_266del on transcript NM_001953.5 (MANE Select); coding-DNA positions 260 to 266, 7 bases deleted (AGACCTC; older notation c.260_266delAGACCTC).
Protein change: p.Glu87fs; shifts the reading frame from glutamic acid 87.
Molecular consequence: frameshift variant.
Genome position (GRCh38, 1-based): chr22:50,529,287-50,529,293, GAGGTCT deleted on the plus strand (AGACCTC on the coding strand, the reverse complement: TYMP is on the minus strand). VCF-style (leftmost placement, unchanged base first): chr22-50529286-CGAGGTCT-C. GRCh37 (hg19) VCF-style: chr22-50967715-CGAGGTCT-C.
Other names: c.260_266del, p.Glu87fs (NM_001113755.3, NM_001113756.3, NM_001257988.1 and 1 more transcripts); short protein forms E87fs.
Identifiers: ClinVar variation 3588125 (VCV003588125.2).